The following is an entry in ClinVar:

ClinVar aggregate classification (germline): Uncertain significance (1 of 4 stars; one submission).

Conditions:
Early-onset Parkinson disease 20. Also called: PARKINSON DISEASE 20, AUTOSOMAL RECESSIVE EARLY-ONSET. Identifiers: Orphanet 391411, MedGen C3809824, MONDO:0014233, OMIM 615530.
Developmental and epileptic encephalopathy, 53. Also called: Epileptic encephalopathy, early infantile, 53. Identifiers: MedGen C4479313, MONDO:0033362, OMIM 617389.

Allele frequency attached by ClinVar (database versions not stated): gnomAD exomes below 0.00001.
gnomAD v4.1: 1 of 1,614,206 alleles (0.000062%); highest among the groups gnomAD compares: Admixed American, 0.0017%; no homozygotes.

Submission:

Labcorp Genetics (formerly Invitae), Labcorp
Classification: Uncertain significance for Developmental and epileptic encephalopathy, 53; Early-onset Parkinson disease 20. Last evaluated: 2022-07-23. Review status: criteria provided, single submitter. Criteria: Invitae Variant Classification Sherloc (09022015). Collection method: clinical testing. Allele origin: germline.
Comment: In summary, the available evidence is currently insufficient to determine the role of this variant in disease. Therefore, it has been classified as a Variant of Uncertain Significance. Algorithms developed to predict the effect of missense changes on protein structure and function are either unavailable or do not agree on the potential impact of this missense change (SIFT: "Deleterious"; PolyPhen-2: "Possibly Damaging"; Align-GVGD: "Class C0"). ClinVar contains an entry for this variant (Variation ID: 1005279). This variant has not been reported in the literature in individuals affected with SYNJ1-related conditions. This sequence change replaces glycine, which is neutral and non-polar, with arginine, which is basic and polar, at codon 1519 of the SYNJ1 protein (p.Gly1519Arg). This variant is present in population databases (no rsID available, gnomAD 0.003%).

NM_203446.3(SYNJ1):c.*526G>A

Gene: SYNJ1 (synaptojanin 1; minus strand). Cytogenetic location: 21q22.11.
Variant type: single nucleotide variant.
Coding change: c.*526G>A on transcript NM_203446.3 (MANE Select); 526 bases downstream of the stop codon, G replaced by A.
Molecular consequence: 3 prime UTR variant. On other transcripts: missense variant (2).
Genome position (GRCh38, 1-based): chr21:32,631,279, C>T on the plus strand (G>A on the coding strand, the complement: SYNJ1 is on the minus strand). VCF-style: chr21-32631279-C-T. GRCh37 (hg19) VCF-style: chr21-34003589-C-T.
Other names: c.*526G>A (NM_001160302.2); c.4297G>A, p.Gly1433Arg (NM_001160306.2); c.4555G>A, p.Gly1519Arg (NM_003895.4); short protein forms G1433R, G1519R.
Identifiers: ClinVar variation 1005279 (VCV001005279.7), dbSNP rs1304102538, ClinGen allele CA410081414.